The following is an entry in ClinVar:

NM_138694.4(PKHD1):c.9925A>G (p.Ile3309Val)

Gene: PKHD1 (PKHD1 ciliary IPT domain containing fibrocystin/polyductin; minus strand). Cytogenetic location: 6p12.3.
Variant type: single nucleotide variant.
Coding change: c.9925A>G on transcript NM_138694.4 (MANE Select); coding-DNA position 9925, A replaced by G.
Protein change: p.Ile3309Val; replaces isoleucine 3309 with valine.
Molecular consequence: missense variant.
Genome position (GRCh38, 1-based): chr6:51,746,794, T>C on the plus strand (A>G on the coding strand, the complement: PKHD1 is on the minus strand). VCF-style: chr6-51746794-T-C. GRCh37 (hg19) VCF-style: chr6-51611592-T-C.
Other names: c.9925A>G, p.Ile3309Val (NM_170724.3); short protein forms I3309V.
Identifiers: ClinVar variation 441087 (VCV000441087.66), dbSNP rs45627337, ClinGen allele CA3851291.
Genomic context (GRCh38, chr6:51,746,794, plus strand): 5'-AAGGAAAGTAGAACTTGTTTTTATCTTTTATCTTTAGCATCCTGGTCCTCTCTGCTGTTA[T>C]TGGGTGCATAATTCCACTGTTCTCTGCATTTGGTAGAATGCAGACATCCAGGTCATCGCT-3'
Protein context (NP_619639.3, residues 3299-3319): NAENSGIMHP[Ile3309Val]TAERTRMLKI

ClinVar aggregate classification (germline): Conflicting classifications of pathogenicity. Review status: criteria provided, conflicting classifications (1 of 4 stars). 12 submissions from 12 submitters: Uncertain significance (8); Likely benign (1). 3 of the submissions do not count toward it. Last evaluated 2026-09-01.

Conditions:
PKHD1-related disorder. Also called: PKHD1-related condition.
Polycystic kidney disease 4 (PKD4). Also called: POLYCYSTIC KIDNEY DISEASE 4 WITH OR WITHOUT POLYCYSTIC LIVER DISEASE; PKD3; Autosomal Recessive Polycystic Kidney Disease – PKHD1; POLYCYSTIC KIDNEY AND HEPATIC DISEASE 1; POLYCYSTIC KIDNEY DISEASE, INFANTILE, TYPE I. Identifiers: MedGen C4540575, MONDO:0033004, OMIM 263200.
Autosomal dominant polycystic liver disease. Also called: Congenital cystic disease of liver; Polycystic liver disease. Identifiers: Orphanet 2924, MedGen C0158683, MONDO:0000447, HP:0006557.
Inborn genetic diseases. Identifiers: MedGen C0950123, MeSH D030342.
Autosomal recessive polycystic kidney disease (ARPKD). Also called: AR polycystic kidney disease. Identifiers: Orphanet 731, Orphanet 8378, MedGen C0085548, MeSH D017044, MONDO:0009889.
Renal cyst. Also called: Cystic kidney disease; cystic kidneys; Renal cysts. Identifiers: MedGen C3887499, MONDO:0002473, HP:0000107.

Allele frequency attached by ClinVar (database versions not stated): ExAC 0.00011; gnomAD exomes 0.00018 and 0.00033; ESP Exome Variant Server 0.00023; TOPMed 0.00026; 1000 Genomes Project 30x 0.00031; gnomAD 0.00035 and 0.00036.
gnomAD v4.1: 533 of 1,611,568 alleles (0.033%); highest among the groups gnomAD compares: Non-Finnish European, 0.043%; no homozygotes.

Submissions (12):

CeGaT Center for Human Genetics Tuebingen
Classification: Uncertain significance. Last evaluated: 2026-09-01. Review status: criteria provided, single submitter. Criteria: CeGaT Center For Human Genetics Tuebingen Variant Classification Criteria Version 2. Collection method: clinical testing. Allele origin: germline. Affected: yes. Observed: 2 variant alleles.
Comment: PKHD1: PM2

GeneDx
Classification: Uncertain significance. Last evaluated: 2026-04-02. Review status: criteria provided, single submitter. Criteria: GeneDx Variant Classification Process June 2021. Collection method: clinical testing. Allele origin: germline.
Comment: In silico analysis suggests that this missense variant does not alter protein structure/function; Has not been previously published as pathogenic or benign to our knowledge

Labcorp Genetics (formerly Invitae), Labcorp
Classification: Likely benign for Autosomal recessive polycystic kidney disease. Last evaluated: 2026-01-19. Review status: criteria provided, single submitter. Criteria: Invitae Variant Classification Sherloc (09022015). Collection method: clinical testing. Allele origin: germline.

Blueprint Genetics
Classification: Uncertain significance. Last evaluated: 2024-04-23. Review status: criteria provided, single submitter. Criteria: ACMG Guidelines, 2015. Collection method: clinical testing. Allele origin: germline.

Ambry Genetics
Classification: Uncertain significance for Inborn genetic diseases. Last evaluated: 2021-12-07. Review status: criteria provided, single submitter. Criteria: Ambry Variant Classification Scheme 2023. Collection method: clinical testing. Allele origin: germline.

Victorian Clinical Genetics Services, Murdoch Childrens Research Institute
Classification: Uncertain significance for Polycystic kidney disease 4. Last evaluated: 2020-10-19. Review status: criteria provided, single submitter. Criteria: ACMG Guidelines, 2015. Collection method: clinical testing. Allele origin: germline. Inheritance: Autosomal recessive inheritance.
Comment: Based on the classification scheme VCGS_Germline_v1.3.3, this variant is classified as 3B-VUS. Following criteria are met: 0102 - Loss of function is a known mechanism of disease in this gene and is associated with polycystic kidney disease 4, with or without hepatic disease (MIM#263200). (I) 0106 - This gene is associated with autosomal recessive disease. (I) 0200 - Variant is predicted to result in a missense amino acid change from isoleucine to valine. (I) 0251 - This variant is heterozygous. (I) 0304 - Variant is present in gnomAD <0.01 (v3) for a recessive condition (52 heterozygotes, 0 homozygotes). (SP) 0503 - Missense variant consistently predicted to be tolerated by multiple in silico tools or not conserved in placental mammals with a minor amino acid change. (SB) 0604 - Variant is not located in an established domain, motif, hotspot or informative constraint region. (I) 0705 - No comparable missense variants have previous evidence for pathogenicity. (I) 0808 - Previous reports of pathogenicity for this variant are conflicting (ClinVar). It has also been reported in one family and regarded as pathogenic, however the supporting evidence is insufficient (MyGene2). (I) 0905 - No published segregation evidence has been identified for this variant. (I) 1007 - No published functional evidence has been identified for this variant. (I) 1208 - Inheritance information for this variant is not currently available in this individual. (I) Legend: (SP) - Supporting pathogenic, (I) - Information, (SB) - Supporting benign

Cambridge Genomics Laboratory, East Genomic Laboratory Hub, NHS Genomic Medicine Service
Classification: Uncertain significance for Renal cyst. Last evaluated: 2020-04-11. Review status: criteria provided, single submitter. Criteria: ACGS Best Practice Guidelines for Variant Classification in Rare Disease 2020. Collection method: clinical testing. Allele origin: germline. Affected: yes. Observed: 1 variant allele.

Illumina Laboratory Services, Illumina
Classification: Uncertain significance for Polycystic kidney disease 4. Last evaluated: 2018-01-13. Review status: criteria provided, single submitter. Criteria: ICSL Variant Classification Criteria 13 December 2019. Collection method: clinical testing. Allele origin: germline.

Eurofins Ntd Llc (ga)
Classification: Uncertain significance. Last evaluated: 2017-07-28. Review status: criteria provided, single submitter. Criteria: EGL Classification Definitions 2015. Collection method: clinical testing. Allele origin: germline. Observed: 4 variant alleles, 4 heterozygotes.

PreventionGenetics, part of Exact Sciences
Classification: Uncertain significance for PKHD1-related condition. Last evaluated: 2024-08-13. Review status: no assertion criteria provided. Collection method: clinical testing. Allele origin: germline. Not counted in ClinVar's aggregate classification.
Comment: The PKHD1 c.9925A>G variant is predicted to result in the amino acid substitution p.Ile3309Val. To our knowledge, this variant has not been reported in the literature. This variant is reported in 0.037% of alleles in individuals of European (Non-Finnish) descent in gnomAD. At this time, the clinical significance of this variant is uncertain due to the absence of conclusive functional and genetic evidence.

Laboratory of Gastroenterology and Hepatology, Radboud University Medical Center
Classification: Uncertain significance for Autosomal dominant polycystic liver disease. Last evaluated: 2021-09-01. Review status: no assertion criteria provided. Collection method: research. Allele origin: germline. Affected: yes. Not counted in ClinVar's aggregate classification.

Natera, Inc.
Classification: Uncertain significance for Autosomal recessive polycystic kidney disease. Last evaluated: 2018-04-30. Review status: no assertion criteria provided. Collection method: clinical testing. Allele origin: germline. Not counted in ClinVar's aggregate classification.